The following is an entry in ClinVar:

NM_014249.4(NR2E3):c.771_775del (p.Trp257_Glu259delinsTer)

Gene: NR2E3 (nuclear receptor subfamily 2 group E member 3; plus strand). Cytogenetic location: 15q23.
Variant type: Deletion.
Coding change: c.771_775del on transcript NM_014249.4 (MANE Select); coding-DNA positions 771 to 775, 5 bases deleted (GAGTG; older notation c.771_775delGAGTG).
Protein change: p.Trp257_Glu259delinsTer.
Molecular consequence: nonsense.
Genome position (GRCh38, 1-based): chr15:71,813,412-71,813,416, GAGTG deleted; deleting any 5 consecutive bases within chr15:71,813,409-71,813,416 gives the same sequence; the c. name uses the placement nearest the transcript's 3' end. VCF-style (leftmost placement, unchanged base first): chr15-71813408-CGTGGA-C. GRCh37 (hg19) VCF-style: chr15-72105748-CGTGGA-C.
Other names: c.771_775del, p.Trp257_Glu259delinsTer (NM_016346.4).
Identifiers: ClinVar variation 2727520 (VCV002727520.3), dbSNP rs2543256115, ClinGen allele CA2697549192.

ClinVar aggregate classification (germline): Pathogenic (1 of 4 stars; one submission).

Submission:

Labcorp Genetics (formerly Invitae), Labcorp
Classification: Pathogenic. Last evaluated: 2023-05-26. Review status: criteria provided, single submitter. Criteria: Invitae Variant Classification Sherloc (09022015). Collection method: clinical testing. Allele origin: germline.
Comment: This variant is not present in population databases (gnomAD no frequency). For these reasons, this variant has been classified as Pathogenic. This variant has not been reported in the literature in individuals affected with NR2E3-related conditions. This sequence change creates a premature translational stop signal (p.Trp257*) in the NR2E3 gene. It is expected to result in an absent or disrupted protein product. Loss-of-function variants in NR2E3 are known to be pathogenic (PMID: 15459973, 27522502).

Literature cited by the submitters: PubMed 15459973; PubMed 27522502.